The following is an entry in ClinVar:

NM_014319.5(LEMD3):c.460del (p.Ala154fs)

Genes: LEMD3 (LEM domain containing 3; plus strand), LOC130008224 (ATAC-STARR-seq lymphoblastoid silent region 4630; plus strand). Cytogenetic location: 12q14.3.
Variant type: Deletion.
Coding change: c.460del on transcript NM_014319.5 (MANE Select); coding-DNA position 460, one base deleted (G; older notation c.460delG).
Protein change: p.Ala154fs; shifts the reading frame from alanine 154.
Molecular consequence: frameshift variant.
Genome position (GRCh38, 1-based): chr12:65,170,056, G deleted; the last of 2 consecutive G bases (chr12:65,170,055-65,170,056); deleting either gives the same sequence. VCF-style (leftmost placement, unchanged base first): chr12-65170054-AG-A. GRCh37 (hg19) VCF-style: chr12-65563834-AG-A.
Other names: c.460del, p.Ala154fs (NM_001167614.2); short protein forms A154fs.
Identifiers: ClinVar variation 3290456 (VCV003290456.1).

ClinVar aggregate classification (germline): Pathogenic (1 of 4 stars; one submission).

Conditions:
Inborn genetic diseases. Identifiers: MedGen C0950123, MeSH D030342.

Submission:

Ambry Genetics
Classification: Pathogenic for Inborn genetic diseases. Last evaluated: 2024-04-17. Review status: criteria provided, single submitter. Criteria: Ambry Variant Classification Scheme 2023. Collection method: clinical testing. Allele origin: germline.
Comment: The c.460delG (p.A154Pfs*29) alteration, located in exon 1 (coding exon 1) of the LEMD3 gene, consists of a deletion of one nucleotide at position 460, causing a translational frameshift with a predicted alternate stop codon after 29 amino acids. This alteration is expected to result in loss of function by premature protein truncation or nonsense-mediated mRNA decay. This variant was not reported in population-based cohorts in the Genome Aggregation Database (gnomAD). Based on the available evidence, this alteration is classified as pathogenic.